The following is an entry in ClinVar:

ClinVar aggregate classification (germline): Uncertain significance (1 of 4 stars; one submission).

Conditions:
Left-right axis malformations. Identifiers: MedGen C1866091.

gnomAD v4.1: 1 of 1,613,606 alleles (0.000062%); no homozygotes.

Submission:

Labcorp Genetics (formerly Invitae), Labcorp
Classification: Uncertain significance for Left-right axis malformations. Last evaluated: 2025-10-16. Review status: criteria provided, single submitter. Criteria: Invitae Variant Classification Sherloc (09022015). Collection method: clinical testing. Allele origin: germline.
Comment: This sequence change falls in intron 3 of the LEFTY2 gene. It does not directly change the encoded amino acid sequence of the LEFTY2 protein. It affects a nucleotide within the consensus splice site. This variant is not present in population databases (gnomAD no frequency). This variant has not been reported in the literature in individuals affected with LEFTY2-related conditions. Variants that disrupt the consensus splice site are a relatively common cause of aberrant splicing (PMID: 17576681, 9536098). Algorithms developed to predict the effect of sequence changes on RNA splicing suggest that this variant may disrupt the consensus splice site. In summary, the available evidence is currently insufficient to determine the role of this variant in disease. Therefore, it has been classified as a Variant of Uncertain Significance.

Literature cited by the submitters: PubMed 17576681; PubMed 9536098.

NM_003240.5(LEFTY2):c.737+1G>A

Gene: LEFTY2 (left-right determination factor 2; minus strand). Cytogenetic location: 1q42.12.
Variant type: single nucleotide variant.
Coding change: c.737+1G>A on transcript NM_003240.5 (MANE Select); the canonical splice donor site of the intron after coding-DNA position 737, G replaced by A.
Molecular consequence: splice donor variant.
Genome position (GRCh38, 1-based): chr1:225,939,360, C>T on the plus strand (G>A on the coding strand, the complement: LEFTY2 is on the minus strand). VCF-style: chr1-225939360-C-T. GRCh37 (hg19) VCF-style: chr1-226127060-C-T.
Other names: c.635+1G>A (NM_001172425.3).
Identifiers: ClinVar variation 4707164 (VCV004707164.1).